The following is an entry in ClinVar:

ClinVar aggregate classification (germline): Pathogenic. Review status: criteria provided, multiple submitters, no conflicts (2 of 4 stars). 2 submissions from 2 submitters: Pathogenic (2). Last evaluated 2018-01-30.

Submissions (2):

Eurofins Ntd Llc (ga)
Classification: Pathogenic. Last evaluated: 2018-01-30. Review status: criteria provided, single submitter. Criteria: EGL Classification Definitions 2015. Collection method: clinical testing. Allele origin: germline. Observed: 1 variant allele, 1 hemizygote.

GeneDx
Classification: Pathogenic. Last evaluated: 2016-01-19. Review status: criteria provided, single submitter. Criteria: GeneDx Variant Classification Process June 2021. Collection method: clinical testing. Allele origin: germline. Affected: yes.
Comment: Based on the understanding of this genetic alteration, it may be amenable to nonsense read-through therapy that is currently available or in clinical trial; This variant is associated with the following publications: (PMID: 25525159, 21972111, 19937601, 31081998)

NM_004006.3(DMD):c.3500C>G (p.Ser1167Ter)

Gene: DMD (dystrophin; minus strand). Cytogenetic location: Xp21.1.
Variant type: single nucleotide variant.
Coding change: c.3500C>G on transcript NM_004006.3 (MANE Select); coding-DNA position 3500, C replaced by G.
Protein change: p.Ser1167Ter; replaces serine 1167 with a stop codon.
Molecular consequence: nonsense.
Genome position (GRCh38, 1-based): chrX:32,454,765, G>C on the plus strand (C>G on the coding strand, the complement: DMD is on the minus strand). VCF-style: chrX-32454765-G-C. GRCh37 (hg19) VCF-style: chrX-32472882-G-C.
Other names: c.3476C>G, p.Ser1159Ter (NM_000109.4); c.3488C>G, p.Ser1163Ter (NM_004009.3); c.3131C>G, p.Ser1044Ter (NM_004010.3); short protein forms S1167*, S1159*, S1163*, S1044*.
Identifiers: ClinVar variation 595842 (VCV000595842.8), dbSNP rs1569563278, ClinGen allele CA412663265.